The following is an entry in ClinVar:

NM_000138.5(FBN1):c.1328-2A>G

Gene: FBN1 (fibrillin 1; minus strand). Cytogenetic location: 15q21.1.
Variant type: single nucleotide variant.
Coding change: c.1328-2A>G on transcript NM_000138.5 (MANE Select); the canonical splice acceptor site of the intron before coding-DNA position 1328, A replaced by G.
Molecular consequence: splice acceptor variant.
Genome position (GRCh38, 1-based): chr15:48,515,529, T>C on the plus strand (A>G on the coding strand, the complement: FBN1 is on the minus strand). VCF-style: chr15-48515529-T-C. GRCh37 (hg19) VCF-style: chr15-48807726-T-C.
Other names: c.1328-2A>G (NM_001406716.1).
Identifiers: ClinVar variation 3757233 (VCV003757233.3).

ClinVar aggregate classification (germline): Likely pathogenic (1 of 4 stars; one submission).

Conditions:
Marfan syndrome (MFS). Also called: MARFAN SYNDROME, TYPE I; Marfan syndrome type 1; Marfan's syndrome; Marfan syndrome, classic; FBN1-Related Marfan Syndrome. Identifiers: Orphanet 284963, Orphanet 558, MedGen C0024796, MONDO:0007947, OMIM 154700.
Familial thoracic aortic aneurysm and aortic dissection (TAAD). Also called: Thoracic aortic aneurysms and dissections. Identifiers: Orphanet 91387, MedGen C4707243, MONDO:0019625.

Submissions (2):

Labcorp Genetics (formerly Invitae), Labcorp
Classification: Likely pathogenic for Marfan syndrome; Familial thoracic aortic aneurysm and aortic dissection. Last evaluated: 2024-07-13. Review status: criteria provided, single submitter. Criteria: Invitae Variant Classification Sherloc (09022015). Collection method: clinical testing. Allele origin: germline.
Comment: This sequence change affects an acceptor splice site in intron 11 of the FBN1 gene. It is expected to disrupt RNA splicing. Variants that disrupt the donor or acceptor splice site typically lead to a loss of protein function (PMID: 16199547), and loss-of-function variants in FBN1 are known to be pathogenic (PMID: 17657824, 19293843). This variant is not present in population databases (gnomAD no frequency). This variant has not been reported in the literature in individuals affected with FBN1-related conditions. Algorithms developed to predict the effect of sequence changes on RNA splicing suggest that this variant may disrupt the consensus splice site. In summary, the currently available evidence indicates that the variant is pathogenic, but additional data are needed to prove that conclusively. Therefore, this variant has been classified as Likely Pathogenic.

Dr. Peter K. Rogan Lab, Western University
No classification provided (evidence only). Condition: Thyroid cancer, nonmedullary, 1. Review status: no classification provided. Collection method: in vitro. Allele origin: not applicable. Functional consequence: retained intron. Not counted in ClinVar's aggregate classification.

Literature cited by the submitters: PubMed 16199547 (cited by Labcorp Genetics (formerly Invitae), Labcorp); PubMed 17657824 (cited by Labcorp Genetics (formerly Invitae), Labcorp); PubMed 19293843 (cited by Labcorp Genetics (formerly Invitae), Labcorp).